The following is an entry in ClinVar:

ClinVar aggregate classification (germline): Likely benign. Review status: criteria provided, multiple submitters, no conflicts (2 of 4 stars). 4 submissions from 4 submitters: Likely benign (3). 1 of the submissions does not count toward it. Last evaluated 2025-12-18.

Conditions:
POLR3A-related disorder. Also called: POLR3A-related disorders; POLR3A-related condition. Identifiers: MedGen CN378587, MONDO:0700276.

Allele frequency attached by ClinVar (database versions not stated): gnomAD 0.00021 and 0.00024; ESP Exome Variant Server 0.00023; TOPMed 0.00026; ExAC 0.00027; gnomAD exomes 0.00027 and 0.00033.
gnomAD v4.1: 513 of 1,612,518 alleles (0.032%); highest among the groups gnomAD compares: Admixed American, 0.072%; no homozygotes.

Submissions (4):

Labcorp Genetics (formerly Invitae), Labcorp
Classification: Likely benign. Last evaluated: 2025-12-18. Review status: criteria provided, single submitter. Criteria: Invitae Variant Classification Sherloc (09022015). Collection method: clinical testing. Allele origin: germline.

Blueprint Genetics
Classification: Likely benign. Last evaluated: 2024-09-16. Review status: criteria provided, single submitter. Criteria: ACMG Guidelines, 2015. Collection method: clinical testing. Allele origin: germline.

CeGaT Center for Human Genetics Tuebingen
Classification: Likely benign. Last evaluated: 2023-07-01. Review status: criteria provided, single submitter. Criteria: CeGaT Center For Human Genetics Tuebingen Variant Classification Criteria Version 2. Collection method: clinical testing. Allele origin: germline. Affected: yes. Observed: 1 variant allele.
Comment: POLR3A: BP4, BP7

PreventionGenetics, part of Exact Sciences
Classification: Likely benign for POLR3A-related condition. Last evaluated: 2019-11-04. Review status: no assertion criteria provided. Collection method: clinical testing. Allele origin: germline. Not counted in ClinVar's aggregate classification.
Comment: This variant is classified as likely benign based on ACMG/AMP sequence variant interpretation guidelines (Richards et al. 2015 PMID: 25741868, with internal and published modifications).

NM_007055.4(POLR3A):c.3264G>A (p.Gln1088=)

Genes: POLR3A (RNA polymerase III subunit A; minus strand), LOC126860970 (BRD4-independent group 4 enhancer GRCh37_chr10:79743812-79745011; plus strand). Cytogenetic location: 10q22.3.
Variant type: single nucleotide variant.
Coding change: c.3264G>A on transcript NM_007055.4 (MANE Select); coding-DNA position 3264, G replaced by A.
Protein change: p.Gln1088=; no amino-acid change (glutamine 1088 retained).
Molecular consequence: synonymous variant.
Genome position (GRCh38, 1-based): chr10:77,984,277, C>T on the plus strand (G>A on the coding strand, the complement: POLR3A is on the minus strand). VCF-style: chr10-77984277-C-T. GRCh37 (hg19) VCF-style: chr10-79744035-C-T.
Identifiers: ClinVar variation 784652 (VCV000784652.37), dbSNP rs142769100, ClinGen allele CA5570891.